The following is an entry in ClinVar:

ClinVar aggregate classification (germline): Likely benign (1 of 4 stars; one submission).

Submission:

CeGaT Center for Human Genetics Tuebingen
Classification: Likely benign. Last evaluated: 2026-07-01. Review status: criteria provided, single submitter. Criteria: CeGaT Center For Human Genetics Tuebingen Variant Classification Criteria Version 2. Collection method: clinical testing. Allele origin: germline. Affected: yes. Observed: 1 variant allele.
Comment: ADAR: PM2:Supporting, BP4, BP7

NM_001111.5(ADAR):c.2148T>A (p.Ile716=)

Gene: ADAR (adenosine deaminase RNA specific; minus strand). Cytogenetic location: 1q21.3.
Variant type: single nucleotide variant.
Coding change: c.2148T>A on transcript NM_001111.5 (MANE Select); coding-DNA position 2148, T replaced by A.
Protein change: p.Ile716=; no amino-acid change (isoleucine 716 retained).
Molecular consequence: synonymous variant.
Genome position (GRCh38, 1-based): chr1:154,596,927, A>T on the plus strand (T>A on the coding strand, the complement: ADAR is on the minus strand). VCF-style: chr1-154596927-A-T. GRCh37 (hg19) VCF-style: chr1-154569403-A-T.
Other names: c.1263T>A, p.Ile421= (NM_001025107.3, NM_001193495.2, NM_001365046.1 and 3 more transcripts); c.2175T>A, p.Ile725= (NM_001365045.1); c.2148T>A, p.Ile716= (NM_015840.4); c.2091T>A, p.Ile697= (NM_015841.4).
Identifiers: ClinVar variation 4874444 (VCV004874444.2).